The following is an entry in ClinVar:

NM_001376.5(DYNC1H1):c.10735A>G (p.Met3579Val)

Gene: DYNC1H1 (dynein cytoplasmic 1 heavy chain 1; plus strand). Cytogenetic location: 14q32.31.
Variant type: single nucleotide variant.
Coding change: c.10735A>G on transcript NM_001376.5 (MANE Select); coding-DNA position 10735, A replaced by G.
Protein change: p.Met3579Val; replaces methionine 3579 with valine.
Molecular consequence: missense variant.
Genome position (GRCh38, 1-based): chr14:102,034,433, A>G. VCF-style: chr14-102034433-A-G. GRCh37 (hg19) VCF-style: chr14-102500770-A-G.
Other names: c.10735A>G (NM_001376.4); short protein forms M3579V.
Identifiers: ClinVar variation 1521775 (VCV001521775.9), dbSNP rs2152592339, ClinGen allele CA391028515.

ClinVar aggregate classification (germline): Uncertain significance. Review status: criteria provided, multiple submitters, no conflicts (2 of 4 stars). 2 submissions from 2 submitters: Uncertain significance (2). Last evaluated 2023-11-10.

Conditions:
Charcot-Marie-Tooth disease axonal type 2O. Also called: CHARCOT-MARIE-TOOTH NEUROPATHY, AXONAL, TYPE 2O; CHARCOT-MARIE-TOOTH DISEASE, AXONAL, AUTOSOMAL DOMINANT, TYPE 2O; Charcot-Marie-Tooth Neuropathy Type 2O; Charcot-Marie-Tooth disease, axonal, type 20. Identifiers: Orphanet 284232, MedGen C3280220, MONDO:0013644, OMIM 614228.

Submissions (2):

GeneDx
Classification: Uncertain significance. Last evaluated: 2023-11-10. Review status: criteria provided, single submitter. Criteria: GeneDx Variant Classification Process June 2021. Collection method: clinical testing. Allele origin: germline. Affected: yes.
Comment: Not observed at significant frequency in large population cohorts (gnomAD); In silico analysis supports that this missense variant has a deleterious effect on protein structure/function; Has not been previously published as pathogenic or benign to our knowledge; This variant is associated with the following publications: (PMID: 25512093, 25609763, 26100331)

Labcorp Genetics (formerly Invitae), Labcorp
Classification: Uncertain significance for Charcot-Marie-Tooth disease axonal type 2O. Last evaluated: 2020-12-13. Review status: criteria provided, single submitter. Criteria: Invitae Variant Classification Sherloc (09022015). Collection method: clinical testing. Allele origin: germline.
Comment: This sequence change replaces methionine with valine at codon 3579 of the DYNC1H1 protein (p.Met3579Val). The methionine residue is highly conserved and there is a small physicochemical difference between methionine and valine. This variant is not present in population databases (ExAC no frequency). This variant has not been reported in the literature in individuals with DYNC1H1-related conditions. Advanced modeling of protein sequence and biophysical properties (such as structural, functional, and spatial information, amino acid conservation, physicochemical variation, residue mobility, and thermodynamic stability) performed at Invitae indicates that this missense variant is not expected to disrupt DYNC1H1 protein function. In summary, the available evidence is currently insufficient to determine the role of this variant in disease. Therefore, it has been classified as a Variant of Uncertain Significance.